The following is an entry in ClinVar:

NM_001130823.3(DNMT1):c.3806+6C>T

Gene: DNMT1 (DNA methyltransferase 1; minus strand). Cytogenetic location: 19p13.2.
Variant type: single nucleotide variant.
Coding change: c.3806+6C>T on transcript NM_001130823.3 (MANE Select); 6 bases into the intron after coding-DNA position 3806, C replaced by T.
Molecular consequence: intron variant.
Genome position (GRCh38, 1-based): chr19:10,140,040, G>A on the plus strand (C>T on the coding strand, the complement: DNMT1 is on the minus strand). VCF-style: chr19-10140040-G-A. GRCh37 (hg19) VCF-style: chr19-10250716-G-A.
Other names: c.3806+6C>T (LRG_362t1, NM_001130823.2); c.3443+6C>T (NM_001318731.2); c.3758+6C>T (NM_001379.4, NM_001318730.2).
Identifiers: ClinVar variation 289710 (VCV000289710.25), dbSNP rs371779379, ClinGen allele CA9187679.

ClinVar aggregate classification (germline): Conflicting classifications of pathogenicity. Review status: criteria provided, conflicting classifications (1 of 4 stars). 6 submissions from 6 submitters: Uncertain significance (1); Benign (1); Likely benign (4). Last evaluated 2026-01-14.

Conditions:
DNMT1-related disorder. Also called: DNMT1-related condition. Identifiers: MedGen CN381527.
Hereditary sensory neuropathy-deafness-dementia syndrome. Also called: HSN IE; Hereditary sensory neuropathy type IE; NEUROPATHY, HEREDITARY SENSORY, WITH HEARING LOSS AND DEMENTIA; Hereditary Sensory and Autonomic Neuropathy Type 1E (HSAN1E). Identifiers: Orphanet 456318, MedGen C3279885, MONDO:0013584, OMIM 614116.

Allele frequency attached by ClinVar (database versions not stated): gnomAD 0.00006; ESP Exome Variant Server 0.00008; gnomAD exomes 0.00013; 1000 Genomes Project 30x 0.00016; TOPMed 0.00017; 1000 Genomes Project 0.00020; ExAC 0.00032.
gnomAD v4.1: 199 of 1,607,566 alleles (0.012%); highest among the groups gnomAD compares: Admixed American, 0.1%; 1 homozygote.

Submissions (6):

Labcorp Genetics (formerly Invitae), Labcorp
Classification: Likely benign for Hereditary sensory neuropathy-deafness-dementia syndrome. Last evaluated: 2026-01-14. Review status: criteria provided, single submitter. Criteria: Invitae Variant Classification Sherloc (09022015). Collection method: clinical testing. Allele origin: germline.

CeGaT Center for Human Genetics Tuebingen
Classification: Likely benign. Last evaluated: 2025-10-01. Review status: criteria provided, single submitter. Criteria: CeGaT Center For Human Genetics Tuebingen Variant Classification Criteria Version 2. Collection method: clinical testing. Allele origin: germline. Affected: yes. Observed: 1 variant allele.
Comment: DNMT1: BP4, BS1

PreventionGenetics, part of Exact Sciences
Classification: Likely benign for DNMT1-related condition. Last evaluated: 2025-06-26. Review status: criteria provided, single submitter. Criteria: ACMG Guidelines, 2015. Collection method: clinical testing. Allele origin: germline.
Comment: This variant is classified as likely benign based on ACMG/AMP sequence variant interpretation guidelines (Richards et al. 2015 PMID: 25741868, with internal and published modifications).

Blueprint Genetics
Classification: Likely benign. Last evaluated: 2024-04-23. Review status: criteria provided, single submitter. Criteria: ACMG Guidelines, 2015. Collection method: clinical testing. Allele origin: germline.

GeneDx
Classification: Benign. Last evaluated: 2021-02-08. Review status: criteria provided, single submitter. Criteria: GeneDx Variant Classification Process June 2021. Collection method: clinical testing. Allele origin: germline. Affected: yes.

Eurofins Ntd Llc (ga)
Classification: Uncertain significance. Last evaluated: 2016-08-11. Review status: criteria provided, single submitter. Criteria: EGL Classification Definitions 2015. Collection method: clinical testing. Allele origin: germline. Observed: 1 variant allele, 1 heterozygote.